The following is an entry in ClinVar:

ClinVar aggregate classification (germline): Uncertain significance. Review status: criteria provided, multiple submitters, no conflicts (2 of 4 stars). 3 submissions from 3 submitters: Uncertain significance (3). Last evaluated 2025-05-17.

Conditions:
Hereditary cancer-predisposing syndrome. Also called: Tumor predisposition; Neoplastic Syndromes, Hereditary; Hereditary Cancer Syndrome; Hereditary neoplastic syndrome. Identifiers: Orphanet 140162, MedGen C0027672, MeSH D009386, MONDO:0015356.
POLD1-related polyposis and colorectal cancer syndrome (CRCS10). Also called: Colorectal cancer 10; COLORECTAL CANCER, SUSCEPTIBILITY TO, ON CHROMOSOME 19q; Colorectal cancer, susceptibility to, 10. Identifiers: Orphanet 220460, MedGen C2675481, MONDO:0012953, OMIM 612591.

Allele frequency attached by ClinVar (database versions not stated): gnomAD exomes below 0.00001.

Submissions (3):

Ambry Genetics
Classification: Uncertain significance for Hereditary cancer-predisposing syndrome. Last evaluated: 2025-05-17. Review status: criteria provided, single submitter. Criteria: Ambry Variant Classification Scheme 2023. Collection method: clinical testing. Allele origin: germline.
Comment: The p.T678I variant (also known as c.2033C>T), located in coding exon 16 of the POLD1 gene, results from a C to T substitution at nucleotide position 2033. The threonine at codon 678 is replaced by isoleucine, an amino acid with similar properties. This amino acid position is conserved. In addition, this alteration is predicted to be tolerated by in silico analysis. Since supporting evidence is limited at this time, the clinical significance of this alteration remains unclear.

Labcorp Genetics (formerly Invitae), Labcorp
Classification: Uncertain significance for POLD1-related polyposis and colorectal cancer syndrome. Last evaluated: 2024-12-22. Review status: criteria provided, single submitter. Criteria: Invitae Variant Classification Sherloc (09022015). Collection method: clinical testing. Allele origin: germline.
Comment: This sequence change replaces threonine, which is neutral and polar, with isoleucine, which is neutral and non-polar, at codon 678 of the POLD1 protein (p.Thr678Ile). This variant is not present in population databases (gnomAD no frequency). This variant has not been reported in the literature in individuals affected with POLD1-related conditions. ClinVar contains an entry for this variant (Variation ID: 569810). Invitae Evidence Modeling of protein sequence and biophysical properties (such as structural, functional, and spatial information, amino acid conservation, physicochemical variation, residue mobility, and thermodynamic stability) indicates that this missense variant is not expected to disrupt POLD1 protein function with a negative predictive value of 80%. In summary, the available evidence is currently insufficient to determine the role of this variant in disease. Therefore, it has been classified as a Variant of Uncertain Significance.

GeneDx
Classification: Uncertain significance. Last evaluated: 2024-06-16. Review status: criteria provided, single submitter. Criteria: GeneDx Variant Classification Process June 2021. Collection method: clinical testing. Allele origin: germline. Affected: yes.
Comment: Not observed at significant frequency in large population cohorts (gnomAD); In silico analysis supports that this missense variant has a deleterious effect on protein structure/function; Has not been previously published as pathogenic or benign to our knowledge; This variant is associated with the following publications: (PMID: 20951805)

NM_002691.4(POLD1):c.2033C>T (p.Thr678Ile)

Gene: POLD1 (DNA polymerase delta 1, catalytic subunit; plus strand). Cytogenetic location: 19q13.33.
Variant type: single nucleotide variant.
Coding change: c.2033C>T on transcript NM_002691.4 (MANE Select); coding-DNA position 2033, C replaced by T.
Protein change: p.Thr678Ile; replaces threonine 678 with isoleucine.
Molecular consequence: missense variant. On other transcripts: non-coding transcript variant (1).
Genome position (GRCh38, 1-based): chr19:50,409,545, C>T. VCF-style: chr19-50409545-C-T. GRCh37 (hg19) VCF-style: chr19-50912802-C-T.
Other names: c.2033C>T, p.Thr678Ile (NM_001256849.1); c.2111C>T, p.Thr704Ile (NM_001308632.1); c.2033C>T (NM_002691.2); short protein forms T678I, T704I.
Identifiers: ClinVar variation 569810 (VCV000569810.11), dbSNP rs1568631367, ClinGen allele CA406982493.
Genomic context (GRCh38, chr19:50,409,545, plus strand): 5'-CGCCTGAGTGTGCTTTCCCCGTGTTCCCTCGCAGGGCCAAGGCCGAGCTGGCCAAGGAGA[C>T]AGACCCCCTCCGGCGCCAGGTCCTGGATGGACGGCAGCTGGCGCTGAAGGTGAGCGCCAA-3'
Protein context (NP_002682.2, residues 668-688): KRAKAELAKE[Thr678Ile]DPLRRQVLDG